The following is an entry in ClinVar:

NM_014391.3(ANKRD1):c.668T>A (p.Leu223Gln)

Gene: ANKRD1 (ankyrin repeat domain 1; minus strand). Cytogenetic location: 10q23.31.
Variant type: single nucleotide variant.
Coding change: c.668T>A on transcript NM_014391.3 (MANE Select); coding-DNA position 668, T replaced by A.
Protein change: p.Leu223Gln; replaces leucine 223 with glutamine.
Molecular consequence: missense variant.
Genome position (GRCh38, 1-based): chr10:90,915,864, A>T on the plus strand (T>A on the coding strand, the complement: ANKRD1 is on the minus strand). VCF-style: chr10-90915864-A-T. GRCh37 (hg19) VCF-style: chr10-92675621-A-T.
Other names: short protein forms L223Q.
Identifiers: ClinVar variation 574557 (VCV000574557.8), dbSNP rs1415797604, ClinGen allele CA377550495.

ClinVar aggregate classification (germline): Uncertain significance (1 of 4 stars; one submission).

Conditions:
ANKRD1-related dilated cardiomyopathy. Identifiers: MedGen CN119551.

Submission:

Labcorp Genetics (formerly Invitae), Labcorp
Classification: Uncertain significance for ANKRD1-related dilated cardiomyopathy. Last evaluated: 2018-06-25. Review status: criteria provided, single submitter. Criteria: Invitae Variant Classification Sherloc (09022015). Collection method: clinical testing. Allele origin: germline.
Comment: Algorithms developed to predict the effect of missense changes on protein structure and function (SIFT, PolyPhen-2, Align-GVGD) all suggest that this variant is likely to be disruptive, but these predictions have not been confirmed by published functional studies and their clinical significance is uncertain. This sequence change replaces leucine with glutamine at codon 223 of the ANKRD1 protein (p.Leu223Gln). The leucine residue is highly conserved and there is a moderate physicochemical difference between leucine and glutamine. This variant is not present in population databases (ExAC no frequency). This variant has not been reported in the literature in individuals with ANKRD1-related disease. In summary, the available evidence is currently insufficient to determine the role of this variant in disease. Therefore, it has been classified as a Variant of Uncertain Significance.